The following is an entry in ClinVar:

ClinVar aggregate classification (germline): Pathogenic/Likely pathogenic. Review status: criteria provided, multiple submitters, no conflicts (2 of 4 stars). 3 submissions from 3 submitters: Pathogenic (1); Likely pathogenic (2). Last evaluated 2025-12-01.

Conditions:
NPHP3-related disorder. Also called: NPHP3-related condition; NPHP3-related disorders. Identifiers: MedGen CN379163.
Nephronophthisis. Also called: Juvenile Nephronophthisis. Identifiers: Orphanet 655, MedGen C0687120, MONDO:0019005, HP:0000090.

Submissions (3):

Labcorp Genetics (formerly Invitae), Labcorp
Classification: Pathogenic for Nephronophthisis. Last evaluated: 2025-12-01. Review status: criteria provided, single submitter. Criteria: Invitae Variant Classification Sherloc (09022015). Collection method: clinical testing. Allele origin: germline.
Comment: This sequence change creates a premature translational stop signal (p.Ser1053Ilefs*3) in the NPHP3 gene. It is expected to result in an absent or disrupted protein product. Loss-of-function variants in NPHP3 are known to be pathogenic (PMID: 18371931, 23559409). This variant is present in population databases (rs771215577, gnomAD 0.0009%). This variant has not been reported in the literature in individuals affected with NPHP3-related conditions. ClinVar contains an entry for this variant (Variation ID: 411105). For these reasons, this variant has been classified as Pathogenic.

PreventionGenetics, part of Exact Sciences
Classification: Likely pathogenic for NPHP3-related condition. Last evaluated: 2024-12-04. Review status: criteria provided, single submitter. Criteria: ACMG Guidelines, 2015. Collection method: clinical testing. Allele origin: germline.
Comment: The NPHP3 c.3156dupA variant is predicted to result in a frameshift and premature protein termination (p.Ser1053Ilefs*3). To our knowledge, this variant has not been reported in patients with NPHP3-related disorders in the literature. This variant is reported in 0.00091% of alleles in individuals of European (Non-Finnish) descent in gnomAD. Frameshift variants in NPHP3 are expected to be pathogenic. This variant is interpreted as likely pathogenic.

Blueprint Genetics
Classification: Likely pathogenic for NPHP3-related disorders. Last evaluated: 2018-11-29. Review status: criteria provided, single submitter. Criteria: ACMG Guidelines, 2015. Collection method: clinical testing. Allele origin: germline. Affected: yes. Observed: 1 variant allele.

Literature cited by the submitters: PubMed 18371931 (cited by Labcorp Genetics (formerly Invitae), Labcorp); PubMed 23559409 (cited by Labcorp Genetics (formerly Invitae), Labcorp).

NM_153240.5(NPHP3):c.3156dup (p.Ser1053fs)

Genes: NPHP3 (nephrocystin 3; minus strand), NPHP3-ACAD11 (NPHP3-ACAD11 readthrough (NMD candidate); minus strand). Cytogenetic location: 3q22.1.
Variant type: Duplication.
Coding change: c.3156dup on transcript NM_153240.5 (MANE Select); coding-DNA position 3156, one base duplicated (A; older notation c.3156dupA).
Protein change: p.Ser1053fs; shifts the reading frame from serine 1053.
Molecular consequence: frameshift variant. On other transcripts: non-coding transcript variant (1).
Genome position (GRCh38, 1-based): chr3:132,687,196, T duplicated on the plus strand (A on the coding strand, the reverse complement: NPHP3 is on the minus strand); the first of 6 consecutive T bases (chr3:132,687,196-132,687,201); duplicating any one gives the same sequence. VCF-style (leftmost placement, unchanged base first): chr3-132687195-A-AT. GRCh37 (hg19) VCF-style: chr3-132406039-A-AT.
Other names: short protein forms S1053fs.
Identifiers: ClinVar variation 411105 (VCV000411105.7), dbSNP rs771215577, ClinGen allele CA2621819.